The following is an entry in ClinVar:

NM_000038.6(APC):c.1892T>C (p.Ile631Thr)

Gene: APC (APC regulator of Wnt signaling pathway; plus strand). Cytogenetic location: 5q22.2.
Variant type: single nucleotide variant.
Coding change: c.1892T>C on transcript NM_000038.6 (MANE Select); coding-DNA position 1892, T replaced by C.
Protein change: p.Ile631Thr; replaces isoleucine 631 with threonine.
Molecular consequence: missense variant.
Genome position (GRCh38, 1-based): chr5:112,835,099, T>C. VCF-style: chr5-112835099-T-C. GRCh37 (hg19) VCF-style: chr5-112170796-T-C.
Other names: c.1892T>C, p.Ile631Thr (NM_001127510.3, NM_001354895.2); c.1838T>C, p.Ile613Thr (NM_001127511.3); c.1946T>C, p.Ile649Thr (NM_001354896.2); c.1922T>C, p.Ile641Thr (NM_001354897.2); c.1817T>C, p.Ile606Thr (NM_001354898.2); c.1808T>C, p.Ile603Thr (NM_001354899.2); c.1769T>C, p.Ile590Thr (NM_001354900.2); c.1715T>C, p.Ile572Thr (NM_001354901.2); and 5 more; short protein forms I540T, I606T, I613T, I631T, I505T, I572T, I590T, I603T.
Identifiers: ClinVar variation 643193 (VCV000643193.11), dbSNP rs1580604755, ClinGen allele CA16025456.
Genomic context (GRCh38, chr5:112,835,099, plus strand): 5'-GTGCACTTGCATTTTTGGTTGGCACTCTTACTTACCGGAGCCAGACAAACACTTTAGCCA[T>C]TATTGAAAGTGGAGGTGGGATATTACGGAATGTGTCCAGCTTGATAGCTACAAATGAGGA-3'
Protein context (NP_000029.2, residues 621-641): TYRSQTNTLA[Ile631Thr]IESGGGILRN

ClinVar aggregate classification (germline): Uncertain significance. Review status: criteria provided, multiple submitters, no conflicts (2 of 4 stars). 2 submissions from 2 submitters: Uncertain significance (2). Last evaluated 2026-05-24.

Conditions:
Familial adenomatous polyposis 1 (FAP1). Also called: FAMILIAL ADENOMATOUS POLYPOSIS 1, ATTENUATED; POLYPOSIS, ADENOMATOUS INTESTINAL. Identifiers: MedGen C2713442, MONDO:0021056, OMIM 175100. Disease mechanism: loss of function.
Hereditary cancer-predisposing syndrome. Also called: Tumor predisposition; Hereditary Cancer Syndrome; Neoplastic Syndromes, Hereditary; Hereditary neoplastic syndrome. Identifiers: Orphanet 140162, MedGen C0027672, MeSH D009386, MONDO:0015356.

Submissions (2):

Ambry Genetics
Classification: Uncertain significance for Hereditary cancer-predisposing syndrome. Last evaluated: 2026-05-24. Review status: criteria provided, single submitter. Criteria: Ambry Variant Classification Scheme 2023. Collection method: clinical testing. Allele origin: germline.
Comment: The p.I631T variant (also known as c.1892T>C), located in coding exon 14 of the APC gene, results from a T to C substitution at nucleotide position 1892. The isoleucine at codon 631 is replaced by threonine, an amino acid with similar properties. This amino acid position is conserved. In addition, in silico predictors for this gene do not accurately predict pathogenicity. Based on the available evidence, the clinical significance of this variant remains unclear.

Labcorp Genetics (formerly Invitae), Labcorp
Classification: Uncertain significance for Familial adenomatous polyposis 1. Last evaluated: 2022-08-24. Review status: criteria provided, single submitter. Criteria: Invitae Variant Classification Sherloc (09022015). Collection method: clinical testing. Allele origin: germline.
Comment: In summary, the available evidence is currently insufficient to determine the role of this variant in disease. Therefore, it has been classified as a Variant of Uncertain Significance. Algorithms developed to predict the effect of missense changes on protein structure and function are either unavailable or do not agree on the potential impact of this missense change (SIFT: "Deleterious"; PolyPhen-2: "Probably Damaging"; Align-GVGD: "Class C0"). This variant is not present in population databases (gnomAD no frequency). ClinVar contains an entry for this variant (Variation ID: 643193). This variant has not been reported in the literature in individuals affected with APC-related conditions. This sequence change replaces isoleucine, which is neutral and non-polar, with threonine, which is neutral and polar, at codon 631 of the APC protein (p.Ile631Thr).